The following is an entry in ClinVar:

ClinVar aggregate classification (germline): Uncertain significance (1 of 4 stars; one submission).

gnomAD v4.1: 4 of 1,613,964 alleles (0.00025%); highest among the groups gnomAD compares: African/African-American, 0.0053%; no homozygotes.

Submission:

Women's Health and Genetics/Laboratory Corporation of America, LabCorp
Classification: Uncertain significance. Last evaluated: 2025-04-04. Review status: criteria provided, single submitter. Criteria: LabCorp Variant Classification Summary - May 2015. Collection method: clinical testing. Allele origin: germline.
Comment: Variant summary: SIAH1 c.530C>A (p.Pro177His) results in a non-conservative amino acid change in the encoded protein sequence. Three of five in-silico tools predict a benign effect of the variant on protein function. The variant was absent in 251438 control chromosomes. The available data on variant occurrences in the general population are insufficient to allow any conclusion about variant significance. To our knowledge, no occurrence of c.530C>A in individuals affected with Buratti-Harel Syndrome and no experimental evidence demonstrating its impact on protein function have been reported. No submitters have cited clinical-significance assessments for this variant to ClinVar. Based on the evidence outlined above, the variant was classified as uncertain significance.

NM_003031.4(SIAH1):c.437C>A (p.Pro146His)

Genes: LONP2 (lon peptidase 2, peroxisomal; plus strand), SIAH1 (siah E3 ubiquitin protein ligase 1; minus strand). Cytogenetic location: 16q12.1.
Variant type: single nucleotide variant.
Coding change: c.437C>A on transcript NM_003031.4 (MANE Select); coding-DNA position 437, C replaced by A.
Protein change: p.Pro146His; replaces proline 146 with histidine.
Molecular consequence: missense variant. On other transcripts: 3 prime UTR variant (1).
Genome position (GRCh38, 1-based): chr16:48,361,992, G>T on the plus strand (C>A on the coding strand, the complement: SIAH1 is on the minus strand). VCF-style: chr16-48361992-G-T. GRCh37 (hg19) VCF-style: chr16-48395903-G-T.
Other names: c.530C>A, p.Pro177His (NM_001006610.2); c.*396G>T (NM_001348078.2); short protein forms P146H, P177H.
Identifiers: ClinVar variation 3896468 (VCV003896468.2).
Genomic context (GRCh38, chr16:48,361,992, plus strand): 5'-AGAAAAACTATATCCTCTCCCTGTAGGGTTGTAATGGACTTATGCTGATGCATCAGATGG[G>T]GCATTACAGCATCCAGAGAGCCTTGCCATTTACAGGAAGCACCAGGGCACGGACAGGAAT-3'
Protein context (NP_003022.3, residues 136-156): KWQGSLDAVM[Pro146His]HLMHQHKSIT